The following is an entry in ClinVar:

NM_013275.6(ANKRD11):c.4271C>T (p.Ser1424Phe)

Gene: ANKRD11 (ankyrin repeat domain 11; minus strand). Cytogenetic location: 16q24.3.
Variant type: single nucleotide variant.
Coding change: c.4271C>T on transcript NM_013275.6 (MANE Select); coding-DNA position 4271, C replaced by T.
Protein change: p.Ser1424Phe; replaces serine 1424 with phenylalanine.
Molecular consequence: missense variant.
Genome position (GRCh38, 1-based): chr16:89,282,271, G>A on the plus strand (C>T on the coding strand, the complement: ANKRD11 is on the minus strand). VCF-style: chr16-89282271-G-A. GRCh37 (hg19) VCF-style: chr16-89348679-G-A.
Other names: c.4271C>T, p.Ser1424Phe (NM_001256182.2, NM_001256183.2); short protein forms S1424F.
Identifiers: ClinVar variation 1027801 (VCV001027801.1), dbSNP rs1567569737, ClinGen allele CA397157939.

ClinVar aggregate classification (germline): Uncertain significance (1 of 4 stars; one submission).

Conditions:
KBG syndrome (KBGS). Also called: ANKRD11-Related KBG Syndrome. Identifiers: Orphanet 2332, MedGen C0220687, MONDO:0007846, OMIM 148050.

Submission:

Baylor Genetics
Classification: Uncertain significance for KBG syndrome. Last evaluated: 2019-12-20. Review status: criteria provided, single submitter. Criteria: ACMG Guidelines, 2015. Collection method: clinical testing. Allele origin: unknown. Affected: yes.
Comment: This variant was determined to be of uncertain significance according to ACMG Guidelines, 2015 [PMID:25741868].